The following is an entry in ClinVar:

NM_000297.4(PKD2):c.2111del (p.Ile704fs)

Gene: PKD2 (polycystin 2, transient receptor potential cation channel; plus strand). Cytogenetic location: 4q22.1.
Variant type: Deletion.
Coding change: c.2111del on transcript NM_000297.4 (MANE Select); coding-DNA position 2111, one base deleted (T; older notation c.2111delT).
Protein change: p.Ile704fs; shifts the reading frame from isoleucine 704.
Molecular consequence: frameshift variant. On other transcripts: non-coding transcript variant (1).
Genome position (GRCh38, 1-based): chr4:88,061,997, T deleted. VCF-style (leftmost placement, unchanged base first): chr4-88061996-AT-A. GRCh37 (hg19) VCF-style: chr4-88983148-AT-A.
Other names: c.1886del, p.Ile629fs (NM_001440544.1); short protein forms I629fs, I704fs.
Identifiers: ClinVar variation 4855153 (VCV004855153.1).

ClinVar aggregate classification (germline): Likely pathogenic (1 of 4 stars; one submission).

Conditions:
Polycystic kidney disease 2 (PKD2). Also called: Polycystic Kidney Disease 2, Autosomal Dominant; POLYCYSTIC KIDNEY DISEASE 2 WITH OR WITHOUT POLYCYSTIC LIVER DISEASE; POLYCYSTIC KIDNEY DISEASE, ADULT, TYPE II. Identifiers: MedGen C2751306, MONDO:0013131, OMIM 613095.

Submission:

3billion
Classification: Likely pathogenic for Polycystic kidney disease 2. Last evaluated: 2025-11-20. Review status: criteria provided, single submitter. Criteria: ACMG Guidelines, 2015. Collection method: clinical testing. Allele origin: germline. Affected: yes.
Comment: The variant is not observed in the gnomAD v4.1.0 dataset. Predicted Consequence/Location: Frameshift: predicted to result in a loss or disruption of normal protein function through nonsense-mediated decay (NMD) or protein truncation. Multiple pathogenic variants are reported downstream of the variant. Therefore, this variant is classified as Likely pathogenic according to the recommendation of ACMG/AMP guideline.